The following is an entry in ClinVar:

ClinVar aggregate classification (germline): Uncertain significance (1 of 4 stars; one submission).

Conditions:
Idiopathic generalized epilepsy. Also called: EIG; Generalised epilepsy. Identifiers: MedGen C0270850, MONDO:0005579, OMIM 600669.
Hyperaldosteronism, familial, type IV (HALD4). Also called: FH IV; ALDOSTERONISM, PRIMARY, AND HYPERTENSION. Identifiers: Orphanet 642671, MedGen C4310756, MONDO:0014875, OMIM 617027.

Submission:

Labcorp Genetics (formerly Invitae), Labcorp
Classification: Uncertain significance for Idiopathic generalized epilepsy; Hyperaldosteronism, familial, type IV. Last evaluated: 2023-10-05. Review status: criteria provided, single submitter. Criteria: Invitae Variant Classification Sherloc (09022015). Collection method: clinical testing. Allele origin: germline.
Comment: This sequence change replaces proline, which is neutral and non-polar, with histidine, which is basic and polar, at codon 1936 of the CACNA1H protein (p.Pro1936His). This variant is not present in population databases (gnomAD no frequency). This variant has not been reported in the literature in individuals affected with CACNA1H-related conditions. Advanced modeling of protein sequence and biophysical properties (such as structural, functional, and spatial information, amino acid conservation, physicochemical variation, residue mobility, and thermodynamic stability) performed at Invitae indicates that this missense variant is not expected to disrupt CACNA1H protein function. Algorithms developed to predict the effect of sequence changes on RNA splicing suggest that this variant may create or strengthen a splice site. In summary, the available evidence is currently insufficient to determine the role of this variant in disease. Therefore, it has been classified as a Variant of Uncertain Significance.

NM_021098.3(CACNA1H):c.5807C>A (p.Pro1936His)

Gene: CACNA1H (calcium voltage-gated channel subunit alpha1 H; plus strand). Cytogenetic location: 16p13.3.
Variant type: single nucleotide variant.
Coding change: c.5807C>A on transcript NM_021098.3 (MANE Select); coding-DNA position 5807, C replaced by A.
Protein change: p.Pro1936His; replaces proline 1936 with histidine.
Molecular consequence: missense variant.
Genome position (GRCh38, 1-based): chr16:1,218,571, C>A. VCF-style: chr16-1218571-C-A. GRCh37 (hg19) VCF-style: chr16-1268571-C-A.
Other names: c.5789C>A, p.Pro1930His (NM_001005407.2); short protein forms P1930H, P1936H.
Identifiers: ClinVar variation 2952562 (VCV002952562.3), dbSNP rs2548729081, ClinGen allele CA394147936.